The following is an entry in ClinVar:

NM_006556.4(PMVK):c.147A>G (p.Glu49=)

Gene: PMVK (phosphomevalonate kinase; minus strand). Cytogenetic location: 1q21.3.
Variant type: single nucleotide variant.
Coding change: c.147A>G on transcript NM_006556.4 (MANE Select); coding-DNA position 147, A replaced by G.
Protein change: p.Glu49=; no amino-acid change (glutamic acid 49 retained).
Molecular consequence: synonymous variant. On other transcripts: 5 prime UTR variant (1), missense variant (1).
Genome position (GRCh38, 1-based): chr1:154,932,364, T>C on the plus strand (A>G on the coding strand, the complement: PMVK is on the minus strand). VCF-style: chr1-154932364-T-C. GRCh37 (hg19) VCF-style: chr1-154904840-T-C.
Other names: c.105A>G, p.Glu35= (NM_001323011.3); c.-79A>G (NM_001323012.3); c.41A>G, p.Asn14Ser (NM_001348696.2); c.41A>G (NM_001348696.1); short protein forms N14S.
Identifiers: ClinVar variation 1278538 (VCV001278538.4), dbSNP rs1891805, ClinGen allele CA1132586.

ClinVar aggregate classification (germline): Benign. Review status: criteria provided, multiple submitters, no conflicts (2 of 4 stars). 3 submissions from 3 submitters: Benign (2). 1 of the submissions does not count toward it. Last evaluated 2021-06-10.

Conditions:
PMVK-related disorder. Also called: PMVK-related condition.

Allele frequency attached by ClinVar (database versions not stated): gnomAD exomes 0.07655 and 0.09528; ExAC 0.10860; 1000 Genomes Project 0.20687; gnomAD 0.20919 and 0.22048; 1000 Genomes Project 30x 0.21533; TOPMed 0.22497; ESP Exome Variant Server 0.23574.
gnomAD v4.1: 144,526 of 1,612,024 alleles (9%); highest among the groups gnomAD compares: African/African-American, 59%; 16,906 homozygotes.

Submissions (3):

GeneDx
Classification: Benign. Last evaluated: 2021-06-10. Review status: criteria provided, single submitter. Criteria: GeneDx Variant Classification Process June 2021. Collection method: clinical testing. Allele origin: germline. Affected: yes.

Breakthrough Genomics
Classification: Benign. Review status: criteria provided, single submitter. Criteria: ACMG Guidelines, 2015. Collection method: not provided. Allele origin: germline. Inheritance: Autosomal dominant inheritance. Affected: yes.

PreventionGenetics, part of Exact Sciences
Classification: Benign for PMVK-related condition. Last evaluated: 2019-10-24. Review status: no assertion criteria provided. Collection method: clinical testing. Allele origin: germline. Not counted in ClinVar's aggregate classification.
Comment: This variant is classified as benign based on ACMG/AMP sequence variant interpretation guidelines (Richards et al. 2015 PMID: 25741868, with internal and published modifications).